The following is an entry in ClinVar:

ClinVar aggregate classification (germline): Likely benign (1 of 4 stars; one submission).

Submission:

CeGaT Center for Human Genetics Tuebingen
Classification: Likely benign. Last evaluated: 2025-10-01. Review status: criteria provided, single submitter. Criteria: CeGaT Center For Human Genetics Tuebingen Variant Classification Criteria Version 2. Collection method: clinical testing. Allele origin: germline. Affected: yes. Observed: 1 variant allele.
Comment: MUC22: BP4, BP7

NM_001395414.1(MUC22):c.1860C>T (p.Thr620=)

Gene: MUC22 (mucin 22; plus strand). Cytogenetic location: 6p21.33.
Variant type: single nucleotide variant.
Coding change: c.1860C>T on transcript NM_001395414.1 (MANE Select); coding-DNA position 1860, C replaced by T.
Protein change: p.Thr620=; no amino-acid change (threonine 620 retained).
Molecular consequence: synonymous variant.
Genome position (GRCh38, 1-based): chr6:31,027,291, C>T. VCF-style: chr6-31027291-C-T. GRCh37 (hg19) VCF-style: chr6-30995068-C-T.
Other names: c.1860C>T, p.Thr620= (NM_001198815.1); c.1869C>T, p.Thr623= (NM_001318484.1).
Identifiers: ClinVar variation 4533530 (VCV004533530.6).
Genomic context (GRCh38, chr6:31,027,291, plus strand): 5'-CACAGGCTCTGAGACCACCACAGCCTCCATCATGGGCTCTGAGACCAGCACAGATTCTAC[C>T]ACAGGCTCTGAGACCACCACAGCCTCTACTGAAGGCTCTGAGACCACCACAGCTTCCACT-3'
Protein context (NP_001382343.1, residues 610-630): IMGSETSTDS[Thr620=]TGSETTTAST